The following is an entry in ClinVar:

NM_000245.4(MET):c.615T>C (p.Tyr205=)

Gene: MET (MET proto-oncogene, receptor tyrosine kinase; plus strand). Cytogenetic location: 7q31.2.
Variant type: single nucleotide variant.
Coding change: c.615T>C on transcript NM_000245.4 (MANE Select); coding-DNA position 615, T replaced by C.
Protein change: p.Tyr205=; no amino-acid change (tyrosine 205 retained).
Molecular consequence: synonymous variant. On other transcripts: intron variant (1).
Genome position (GRCh38, 1-based): chr7:116,699,699, T>C. VCF-style: chr7-116699699-T-C. GRCh37 (hg19) VCF-style: chr7-116339753-T-C.
Other names: c.615T>C, p.Tyr205= (NM_001127500.3, NM_001324401.3); c.-91+27122T>C (NM_001324402.2).
Identifiers: ClinVar variation 1118151 (VCV001118151.10), dbSNP rs2116593354, ClinGen allele CA457447802.

ClinVar aggregate classification (germline): Benign/Likely benign. Review status: criteria provided, multiple submitters, no conflicts (2 of 4 stars). 2 submissions from 2 submitters: Benign (1); Likely benign (1). Last evaluated 2024-11-06.

Conditions:
Renal cell carcinoma. Identifiers: Orphanet 217071, MedGen C0007134, MeSH D002292, MONDO:0005086, HP:0005584.
Papillary renal cell carcinoma type 1 (RCCP1). Also called: RENAL CELL CARCINOMA, PAPILLARY, 1, SOMATIC; Renal adenocarcinoma; Renal cell carcinoma 1; Renal cell carcinoma, somatic. Identifiers: Orphanet 47044, MedGen C1336839, OMIM 605074, HP:0011797.

Submissions (2):

Myriad Genetics, Inc.
Classification: Benign for Papillary renal cell carcinoma type 1. Last evaluated: 2024-11-06. Review status: criteria provided, single submitter. Criteria: Myriad Autosomal Dominant, Autosomal Recessive and X-Linked Classification Criteria (2023). Collection method: clinical testing. Allele origin: unknown.
Comment: This variant is considered benign. This variant is a silent/synonymous amino acid change and it is not expected to impact splicing.

Labcorp Genetics (formerly Invitae), Labcorp
Classification: Likely benign for Renal cell carcinoma. Last evaluated: 2024-03-19. Review status: criteria provided, single submitter. Criteria: Invitae Variant Classification Sherloc (09022015). Collection method: clinical testing. Allele origin: germline.